The following is an entry in ClinVar:

ClinVar aggregate classification (germline): Benign/Likely benign. Review status: criteria provided, multiple submitters, no conflicts (2 of 4 stars). 11 submissions from 11 submitters: Benign (5); Likely benign (5). 1 of the submissions does not count toward it. Last evaluated 2026-02-03.

Conditions:
Zellweger spectrum disorders (ZS). Also called: Zellweger Spectrum Disorder; Zellweger Spectrum; Zellweger syndrome; Zellweger Spectrum Disorder (ZSD). Identifiers: Orphanet 912, MedGen C0043459, MONDO:0019609.
Peroxisome biogenesis disorder 4A (Zellweger) (PBD4A). Also called: Zellweger syndrome spectrum (PEX6-related). Identifiers: Orphanet 912, MedGen C3553936, MONDO:0013930, OMIM 614862. Disease mechanism: loss of function.
Peroxisome biogenesis disorder. Identifiers: Orphanet 79189, MedGen C1832200, MONDO:0019234. Disease mechanism: loss of function.

Allele frequency attached by ClinVar (database versions not stated): gnomAD 0.00544 and 0.00583; TOPMed 0.00581; 1000 Genomes Project 0.00599; ESP Exome Variant Server 0.00607; 1000 Genomes Project 30x 0.00687; gnomAD exomes 0.00141; ExAC 0.00175.

Submissions (11):

Labcorp Genetics (formerly Invitae), Labcorp
Classification: Benign for Peroxisome biogenesis disorder. Last evaluated: 2026-02-03. Review status: criteria provided, single submitter. Criteria: Invitae Variant Classification Sherloc (09022015). Collection method: clinical testing. Allele origin: germline.

ARUP Laboratories, Molecular Genetics and Genomics, ARUP Laboratories
Classification: Benign. Last evaluated: 2025-03-17. Review status: criteria provided, single submitter. Criteria: ARUP Molecular Germline Variant Investigation Process 2024. Collection method: clinical testing. Allele origin: germline.

Blueprint Genetics
Classification: Likely benign. Last evaluated: 2024-11-26. Review status: criteria provided, single submitter. Criteria: ACMG Guidelines, 2015. Collection method: clinical testing. Allele origin: germline.

Mayo Clinic Laboratories, Mayo Clinic
Classification: Benign. Last evaluated: 2024-10-24. Review status: criteria provided, single submitter. Criteria: ACMG Guidelines, 2015. Collection method: clinical testing. Allele origin: germline. Observed: 2 variant alleles.
Comment: BA1, BS2, BP4, BP7

Women's Health and Genetics/Laboratory Corporation of America, LabCorp
Classification: Likely benign. Last evaluated: 2020-06-26. Review status: criteria provided, single submitter. Criteria: LabCorp Variant Classification Summary - May 2015. Collection method: clinical testing. Allele origin: germline.

GeneDx
Classification: Likely benign. Last evaluated: 2020-01-12. Review status: criteria provided, single submitter. Criteria: GeneDx Variant Classification Process June 2021. Collection method: clinical testing. Allele origin: germline. Affected: yes.

Illumina Laboratory Services, Illumina
Classification: Benign for Peroxisome biogenesis disorder 4A (Zellweger). Last evaluated: 2017-04-28. Review status: criteria provided, single submitter. Criteria: ICSL Variant Classification Criteria 13 December 2019. Collection method: clinical testing. Allele origin: germline.
Comment: This variant was observed as part of a predisposition screen in an ostensibly healthy population. A literature search was performed for the gene, cDNA change, and amino acid change (where applicable). Publications were found based on this search. The evidence from the literature, in combination with allele frequency data from public databases where available, was sufficient to rule this variant out of causing disease. Therefore, this variant is classified as benign.

Eurofins Ntd Llc (ga)
Classification: Benign. Last evaluated: 2016-11-18. Review status: criteria provided, single submitter. Criteria: EGL Classification Definitions 2015. Collection method: clinical testing. Allele origin: germline. Observed: 1 variant allele, 1 heterozygote.

Breakthrough Genomics
Classification: Likely benign. Review status: criteria provided, single submitter. Criteria: ACMG Guidelines, 2015. Collection method: not provided. Allele origin: germline. Inheritance: Autosomal recessive inheritance. Affected: yes.

PreventionGenetics, part of Exact Sciences
Classification: Likely benign. Review status: criteria provided, single submitter. Criteria: ACMG Guidelines, 2015. Collection method: clinical testing. Allele origin: germline.

Natera, Inc.
Classification: Benign for Zellweger syndrome. Last evaluated: 2020-09-16. Review status: no assertion criteria provided. Collection method: clinical testing. Allele origin: germline. Not counted in ClinVar's aggregate classification.

Literature cited by the submitters: PubMed 19105186 (cited by Illumina Laboratory Services, Illumina).

NM_000287.4(PEX6):c.813G>T (p.Ala271=)

Gene: PEX6 (peroxisomal biogenesis factor 6; minus strand). Cytogenetic location: 6p21.1.
Variant type: single nucleotide variant.
Coding change: c.813G>T on transcript NM_000287.4 (MANE Select); coding-DNA position 813, G replaced by T.
Protein change: p.Ala271=; no amino-acid change (alanine 271 retained).
Molecular consequence: synonymous variant. On other transcripts: non-coding transcript variant (1), intron variant (1).
Genome position (GRCh38, 1-based): chr6:42,978,338, C>A on the plus strand (G>T on the coding strand, the complement: PEX6 is on the minus strand). VCF-style: chr6-42978338-C-A. GRCh37 (hg19) VCF-style: chr6-42946076-C-A.
Other names: p.Ala271=; c.618+195G>T (NM_001316313.2).
Identifiers: ClinVar variation 255743 (VCV000255743.28), dbSNP rs35503676, ClinGen allele CA3811559.